The following is an entry in ClinVar:

ClinVar aggregate classification (germline): Uncertain significance. Review status: criteria provided, multiple submitters, no conflicts (2 of 4 stars). 2 submissions from 2 submitters: Uncertain significance (2). Last evaluated 2025-10-22.

Conditions:
Inborn genetic diseases. Identifiers: MedGen C0950123, MeSH D030342.
Compton-North congenital myopathy (CMYO12). Identifiers: Orphanet 210163, MedGen C2675527, MONDO:0012929, OMIM 612540.

gnomAD v4.1: 2 of 1,613,522 alleles (0.00012%); highest among the groups gnomAD compares: Non-Finnish European, 0.00017%; no homozygotes.

Submissions (2):

Ambry Genetics
Classification: Uncertain significance for Inborn genetic diseases. Last evaluated: 2025-10-22. Review status: criteria provided, single submitter. Criteria: Ambry Variant Classification Scheme 2023. Collection method: clinical testing. Allele origin: germline.

Labcorp Genetics (formerly Invitae), Labcorp
Classification: Uncertain significance for Compton-North congenital myopathy. Last evaluated: 2022-06-20. Review status: criteria provided, single submitter. Criteria: Invitae Variant Classification Sherloc (09022015). Collection method: clinical testing. Allele origin: germline.
Comment: In summary, the available evidence is currently insufficient to determine the role of this variant in disease. Therefore, it has been classified as a Variant of Uncertain Significance. Advanced modeling of protein sequence and biophysical properties (such as structural, functional, and spatial information, amino acid conservation, physicochemical variation, residue mobility, and thermodynamic stability) performed at Invitae indicates that this missense variant is not expected to disrupt CNTN1 protein function. This variant has not been reported in the literature in individuals affected with CNTN1-related conditions. This variant is not present in population databases (gnomAD no frequency). This sequence change replaces methionine, which is neutral and non-polar, with leucine, which is neutral and non-polar, at codon 895 of the CNTN1 protein (p.Met895Leu).

NM_001843.4(CNTN1):c.2683A>C (p.Met895Leu)

Gene: CNTN1 (contactin 1; plus strand). Cytogenetic location: 12q12.
Variant type: single nucleotide variant.
Coding change: c.2683A>C on transcript NM_001843.4 (MANE Select); coding-DNA position 2683, A replaced by C.
Protein change: p.Met895Leu; replaces methionine 895 with leucine.
Molecular consequence: missense variant.
Genome position (GRCh38, 1-based): chr12:41,025,309, A>C. VCF-style: chr12-41025309-A-C. GRCh37 (hg19) VCF-style: chr12-41419111-A-C.
Other names: c.2650A>C, p.Met884Leu (NM_175038.2); c.2683A>C (NM_001843.2); short protein forms M884L, M895L.
Identifiers: ClinVar variation 1399917 (VCV001399917.7), dbSNP rs1253543758, ClinGen allele CA384587730.